The following is an entry in ClinVar:

NM_001184.4(ATR):c.678A>T (p.Glu226Asp)

Gene: ATR (ATR checkpoint kinase; minus strand). Cytogenetic location: 3q23.
Variant type: single nucleotide variant.
Coding change: c.678A>T on transcript NM_001184.4 (MANE Select); coding-DNA position 678, A replaced by T.
Protein change: p.Glu226Asp; replaces glutamic acid 226 with aspartic acid.
Molecular consequence: missense variant.
Genome position (GRCh38, 1-based): chr3:142,562,724, T>A on the plus strand (A>T on the coding strand, the complement: ATR is on the minus strand). VCF-style: chr3-142562724-T-A. GRCh37 (hg19) VCF-style: chr3-142281566-T-A.
Other names: c.678A>T, p.Glu226Asp (NM_001354579.2); short protein forms E226D.
Identifiers: ClinVar variation 1718524 (VCV001718524.5), dbSNP rs2108487964, ClinGen allele CA354826036.

ClinVar aggregate classification (germline): Uncertain significance (1 of 4 stars; one submission).

Submission:

Labcorp Genetics (formerly Invitae), Labcorp
Classification: Uncertain significance. Last evaluated: 2022-10-05. Review status: criteria provided, single submitter. Criteria: Invitae Variant Classification Sherloc (09022015). Collection method: clinical testing. Allele origin: germline.
Comment: In summary, the available evidence is currently insufficient to determine the role of this variant in disease. Therefore, it has been classified as a Variant of Uncertain Significance. Algorithms developed to predict the effect of missense changes on protein structure and function (SIFT, PolyPhen-2, Align-GVGD) all suggest that this variant is likely to be tolerated. This variant has not been reported in the literature in individuals affected with ATR-related conditions. This variant is not present in population databases (gnomAD no frequency). This sequence change replaces glutamic acid, which is acidic and polar, with aspartic acid, which is acidic and polar, at codon 226 of the ATR protein (p.Glu226Asp).